The following is an entry in ClinVar:

ClinVar aggregate classification (germline): Uncertain significance (1 of 4 stars; one submission).

Conditions:
COG7 congenital disorder of glycosylation (CDG2E). Also called: CDG IIe; CONGENITAL DISORDER OF GLYCOSYLATION, TYPE IIe. Identifiers: Orphanet 79333, MedGen C2931010, MONDO:0012118, OMIM 608779.

Submission:

Laboratorio de Genetica e Diagnostico Molecular, Hospital Israelita Albert Einstein
Classification: Uncertain significance for COG7 congenital disorder of glycosylation. Last evaluated: 2021-08-27. Review status: criteria provided, single submitter. Criteria: ACMG Guidelines, 2015. Collection method: clinical testing. Allele origin: germline. Affected: yes.
Comment: ACMG classification criteria: PM2 moderate, PM2, PP1 supporting, BP4 supporting, BP4

NM_153603.4(COG7):c.436-4C>T

Gene: COG7 (component of oligomeric golgi complex 7; minus strand). Cytogenetic location: 16p12.2.
Variant type: single nucleotide variant.
Coding change: c.436-4C>T on transcript NM_153603.4 (MANE Select); 4 bases into the intron before coding-DNA position 436, C replaced by T.
Molecular consequence: intron variant.
Genome position (GRCh38, 1-based): chr16:23,442,649, G>A on the plus strand (C>T on the coding strand, the complement: COG7 is on the minus strand). VCF-style: chr16-23442649-G-A. GRCh37 (hg19) VCF-style: chr16-23453970-G-A.
Identifiers: ClinVar variation 1683749 (VCV001683749.2), dbSNP rs1964120151, ClinGen allele CA2573152083.